The following is an entry in ClinVar:

NM_001349253.2(SCN11A):c.5101G>T (p.Asp1701Tyr)

Gene: SCN11A (sodium voltage-gated channel alpha subunit 11; minus strand). Cytogenetic location: 3p22.2.
Variant type: single nucleotide variant.
Coding change: c.5101G>T on transcript NM_001349253.2 (MANE Select); coding-DNA position 5101, G replaced by T.
Protein change: p.Asp1701Tyr; replaces aspartic acid 1701 with tyrosine.
Molecular consequence: missense variant.
Genome position (GRCh38, 1-based): chr3:38,846,969, C>A on the plus strand (G>T on the coding strand, the complement: SCN11A is on the minus strand). VCF-style: chr3-38846969-C-A. GRCh37 (hg19) VCF-style: chr3-38888460-C-A.
Other names: c.5101G>T, p.Asp1701Tyr (NM_014139.3); short protein forms D1701Y.
Identifiers: ClinVar variation 2069738 (VCV002069738.4), dbSNP rs544642822, ClinGen allele CA2321398.

ClinVar aggregate classification (germline): Uncertain significance (1 of 4 stars; one submission).

Conditions:
Hereditary sensory and autonomic neuropathy type 7. Also called: Neuropathy, hereditary sensory and autonomic, type VII; HSAN VII. Identifiers: Orphanet 391397, MedGen C3809882, MONDO:0014244, OMIM 615548.
Familial episodic pain syndrome with predominantly lower limb involvement. Also called: Episodic pain syndrome, familial, 3. Identifiers: Orphanet 391384, Orphanet 391392, MedGen C3809899, MONDO:0014247, OMIM 615552.

Allele frequency attached by ClinVar (database versions not stated): gnomAD exomes below 0.00001; gnomAD 0.00001; ExAC 0.00002; 1000 Genomes Project 30x 0.00016; 1000 Genomes Project 0.00020.
gnomAD v4.1: 8 of 1,614,116 alleles (0.0005%); highest among the groups gnomAD compares: East Asian, 0.016%; no homozygotes.

Submission:

Labcorp Genetics (formerly Invitae), Labcorp
Classification: Uncertain significance for Familial episodic pain syndrome with predominantly lower limb involvement; Hereditary sensory and autonomic neuropathy type 7. Last evaluated: 2022-04-24. Review status: criteria provided, single submitter. Criteria: Invitae Variant Classification Sherloc (09022015). Collection method: clinical testing. Allele origin: germline.
Comment: In summary, the available evidence is currently insufficient to determine the role of this variant in disease. Therefore, it has been classified as a Variant of Uncertain Significance. Algorithms developed to predict the effect of missense changes on protein structure and function (SIFT, PolyPhen-2, Align-GVGD) all suggest that this variant is likely to be disruptive. This variant has not been reported in the literature in individuals affected with SCN11A-related conditions. This variant is present in population databases (rs544642822, gnomAD 0.03%). This sequence change replaces aspartic acid, which is acidic and polar, with tyrosine, which is neutral and polar, at codon 1701 of the SCN11A protein (p.Asp1701Tyr).